The following is an entry in ClinVar:

NM_033453.4(ITPA):c.412-298T>C

Gene: ITPA (inosine triphosphatase; plus strand). Cytogenetic location: 20p13.
Variant type: single nucleotide variant.
Coding change: c.412-298T>C on transcript NM_033453.4 (MANE Select); 298 bases into the intron before coding-DNA position 412, T replaced by C.
Molecular consequence: intron variant.
Genome position (GRCh38, 1-based): chr20:3,221,543, T>C. VCF-style: chr20-3221543-T-C. GRCh37 (hg19) VCF-style: chr20-3202189-T-C.
Other names: c.538-298T>C (NM_001424409.1); c.75-298T>C (NM_001324237.2, NM_001324238.2, NM_001324236.2 and 1 more transcripts); c.411+2911T>C (NM_001324240.2); c.458+77T>C (NM_001424408.1); c.289-298T>C (NM_001267623.2); c.361-298T>C (NM_181493.4).
Identifiers: ClinVar variation 3256812 (VCV003256812.2).

ClinVar aggregate classification (germline): Benign (1 of 4 stars; one submission).

gnomAD v4.1: 38,102 of 151,500 alleles (25%); highest among the groups gnomAD compares: South Asian, 50%; 5,767 homozygotes.

Submission:

Unidad de Genómica Garrahan, Hospital de Pediatría Garrahan
Classification: Benign. Last evaluated: 2024-07-31. Review status: criteria provided, single submitter. Criteria: ACMG Guidelines, 2015. Collection method: clinical testing. Allele origin: germline. Affected: no. Observed: 36 variant alleles.
Comment: This variant is classified as Benign based on local population frequency. This variant was detected in 39% of patients studied in a panel designed for Epileptic and Developmental Encephalopathy, Progressive Myoclonus Epilepsy and Abnormal Movements and Neurodegeneration with brain iron accumulation. Number of patients: 36. Only high quality variants are reported.